The following is an entry in ClinVar:

ClinVar aggregate classification (germline): Pathogenic/Likely pathogenic. Review status: criteria provided, multiple submitters, no conflicts (2 of 4 stars). 2 submissions from 2 submitters: Pathogenic (1); Likely pathogenic (1). Last evaluated 2024-02-22.

Conditions:
Joubert syndrome. Also called: CEREBELLOPARENCHYMAL DISORDER IV; JOUBERT-BOLTSHAUSER SYNDROME; Familial aplasia of the vermis. Identifiers: Orphanet 475, MedGen C5979921, MONDO:0018772.
Meckel-Gruber syndrome. Also called: DYSENCEPHALIA SPLANCHNOCYSTICA; GRUBER SYNDROME; Dysencephalia splachnocystica. Identifiers: Orphanet 564, MedGen C0265215, MONDO:0018921.

Submissions (2):

Labcorp Genetics (formerly Invitae), Labcorp
Classification: Pathogenic for Joubert syndrome; Meckel-Gruber syndrome. Last evaluated: 2024-02-22. Review status: criteria provided, single submitter. Criteria: Invitae Variant Classification Sherloc (09022015). Collection method: clinical testing. Allele origin: germline.
Comment: This sequence change creates a premature translational stop signal (p.Asn676Ilefs*23) in the RPGRIP1L gene. It is expected to result in an absent or disrupted protein product. Loss-of-function variants in RPGRIP1L are known to be pathogenic (PMID: 17558409). This variant is not present in population databases (gnomAD no frequency). This variant has not been reported in the literature in individuals affected with RPGRIP1L-related conditions. ClinVar contains an entry for this variant (Variation ID: 1323534). For these reasons, this variant has been classified as Pathogenic.

Revvity Omics, Revvity
Classification: Likely pathogenic. Last evaluated: 2023-04-06. Review status: criteria provided, single submitter. Criteria: ACMG Guidelines, 2015. Collection method: clinical testing. Allele origin: germline.

Literature cited by the submitters: PubMed 17558409 (cited by Labcorp Genetics (formerly Invitae), Labcorp).

NM_015272.5(RPGRIP1L):c.2027del (p.Asn676fs)

Gene: RPGRIP1L (RPGRIP1 like; minus strand). Cytogenetic location: 16q12.2.
Variant type: Deletion.
Coding change: c.2027del on transcript NM_015272.5 (MANE Select); coding-DNA position 2027, one base deleted (A; older notation c.2027delA).
Protein change: p.Asn676fs; shifts the reading frame from asparagine 676.
Molecular consequence: frameshift variant.
Genome position (GRCh38, 1-based): chr16:53,652,660, T deleted on the plus strand (A on the coding strand, the reverse complement: RPGRIP1L is on the minus strand); the first of 2 consecutive T bases (chr16:53,652,660-53,652,661); deleting either gives the same sequence. VCF-style (leftmost placement, unchanged base first): chr16-53652659-AT-A. GRCh37 (hg19) VCF-style: chr16-53686571-AT-A.
Other names: c.2027del, p.Asn676fs (NM_001127897.4, NM_001308334.3, NM_001330538.2); short protein forms N676fs.
Identifiers: ClinVar variation 1323534 (VCV001323534.6), dbSNP rs2151125463, ClinGen allele CA2573054236.
Genomic context (GRCh38, chr16:53,652,659, plus strand): 5'-ACATGCTGCAATTGTTTCATATTCTGTGCTATAAGCCTGGTGGACCTCAAGGGTGATAGT[AT>A]TCTTCTGAATATATTGCAAAAATAAGTCATTAACATGAACAAGATATTGAGAAGTGAAGT-3'